The following is an entry in ClinVar:

ClinVar aggregate classification (germline): Pathogenic. Review status: criteria provided, multiple submitters, no conflicts (2 of 4 stars). 2 submissions from 2 submitters: Pathogenic (2). Last evaluated 2025-11-08.

Conditions:
Hereditary cancer-predisposing syndrome. Also called: Neoplastic Syndromes, Hereditary; Tumor predisposition; Hereditary Cancer Syndrome; Hereditary neoplastic syndrome. Identifiers: Orphanet 140162, MedGen C0027672, MeSH D009386, MONDO:0015356.
Mitochondrial complex II deficiency, nuclear type 1. Also called: SUCCINATE CoQ REDUCTASE DEFICIENCY. Identifiers: Orphanet 3208, MedGen C5700310, MONDO:0100294, OMIM 252011.
Pheochromocytoma/paraganglioma syndrome 5. Also called: SDHA-Related Hereditary Paraganglioma-Pheochromocytoma Syndrome; Paragangliomas 5. Identifiers: Orphanet 29072, MedGen C3279992, MONDO:0013602, OMIM 614165.

Submissions (2):

Labcorp Genetics (formerly Invitae), Labcorp
Classification: Pathogenic for Pheochromocytoma/paraganglioma syndrome 5; Mitochondrial complex II deficiency, nuclear type 1. Last evaluated: 2025-11-08. Review status: criteria provided, single submitter. Criteria: Invitae Variant Classification Sherloc (09022015). Collection method: clinical testing. Allele origin: germline.
Comment: This sequence change creates a premature translational stop signal (p.Arg325Serfs*23) in the SDHA gene. It is expected to result in an absent or disrupted protein product. Loss-of-function variants in SDHA are known to be pathogenic (PMID: 22974104, 24781757). This variant is not present in population databases (gnomAD no frequency). This variant has not been reported in the literature in individuals affected with SDHA-related conditions. For these reasons, this variant has been classified as Pathogenic.

Ambry Genetics
Classification: Pathogenic for Hereditary cancer-predisposing syndrome. Last evaluated: 2025-09-25. Review status: criteria provided, single submitter. Criteria: Ambry Variant Classification Scheme 2023. Collection method: clinical testing. Allele origin: germline.
Comment: The c.975delG pathogenic mutation, located in coding exon 8 of the SDHA gene, results from a deletion of one nucleotide at nucleotide position 975, causing a translational frameshift with a predicted alternate stop codon (p.R325Sfs*23). This variant is considered to be rare based on population cohorts in the Genome Aggregation Database (gnomAD). This alteration is expected to result in loss of function by premature protein truncation or nonsense-mediated mRNA decay. As such, this alteration is interpreted as a disease-causing mutation.

Literature cited by the submitters: PubMed 22974104 (cited by Labcorp Genetics (formerly Invitae), Labcorp); PubMed 24781757 (cited by Labcorp Genetics (formerly Invitae), Labcorp).

NM_004168.4(SDHA):c.975del (p.Arg325fs)

Gene: SDHA (succinate dehydrogenase complex flavoprotein subunit A; plus strand). Cytogenetic location: 5p15.33.
Variant type: Deletion.
Coding change: c.975del on transcript NM_004168.4 (MANE Select); coding-DNA position 975, one base deleted (G; older notation c.975delG).
Protein change: p.Arg325fs; shifts the reading frame from arginine 325.
Molecular consequence: frameshift variant.
Genome position (GRCh38, 1-based): chr5:233,556, G deleted; the last of 2 consecutive G bases (chr5:233,555-233,556); deleting either gives the same sequence. VCF-style (leftmost placement, unchanged base first): chr5-233554-AG-A. GRCh37 (hg19) VCF-style: chr5-233669-AG-A.
Other names: c.831del, p.Arg277fs (NM_001294332.2); c.975del, p.Arg325fs (NM_001330758.2); short protein forms R277fs, R325fs.
Identifiers: ClinVar variation 4546693 (VCV004546693.2).